The following is an entry in ClinVar:

NM_033100.4(CDHR1):c.1823A>G (p.Asp608Gly)

Gene: CDHR1 (cadherin related family member 1; plus strand). Cytogenetic location: 10q23.1.
Variant type: single nucleotide variant.
Coding change: c.1823A>G on transcript NM_033100.4 (MANE Select); coding-DNA position 1823, A replaced by G.
Protein change: p.Asp608Gly; replaces aspartic acid 608 with glycine.
Molecular consequence: missense variant.
Genome position (GRCh38, 1-based): chr10:84,213,131, A>G. VCF-style: chr10-84213131-A-G. GRCh37 (hg19) VCF-style: chr10-85972887-A-G.
Other names: c.1823A>G, p.Asp608Gly (NM_001171971.3); short protein forms D608G.
Identifiers: ClinVar variation 1440126 (VCV001440126.8), dbSNP rs749093293, ClinGen allele CA377378333.

ClinVar aggregate classification (germline): Uncertain significance (1 of 4 stars; one submission).

Allele frequency attached by ClinVar (database versions not stated): TOPMed 0.00001.
gnomAD v4.1: 1 of 1,614,222 alleles (0.000062%); highest among the groups gnomAD compares: South Asian, 0.0011%; no homozygotes.

Submission:

Labcorp Genetics (formerly Invitae), Labcorp
Classification: Uncertain significance. Last evaluated: 2022-06-20. Review status: criteria provided, single submitter. Criteria: Invitae Variant Classification Sherloc (09022015). Collection method: clinical testing. Allele origin: germline.
Comment: This variant has not been reported in the literature in individuals affected with CDHR1-related conditions. This variant is present in population databases (no rsID available, gnomAD 0.003%). This sequence change replaces aspartic acid, which is acidic and polar, with glycine, which is neutral and non-polar, at codon 608 of the CDHR1 protein (p.Asp608Gly). Advanced modeling of protein sequence and biophysical properties (such as structural, functional, and spatial information, amino acid conservation, physicochemical variation, residue mobility, and thermodynamic stability) performed at Invitae indicates that this missense variant is not expected to disrupt CDHR1 protein function. In summary, the available evidence is currently insufficient to determine the role of this variant in disease. Therefore, it has been classified as a Variant of Uncertain Significance.